The following is an entry in ClinVar:

ClinVar aggregate classification (germline): Likely benign (0 of 4 stars; one submission).

Conditions:
KSR2-related disorder. Also called: KSR2-related condition.

gnomAD v4.1: 77 of 1,613,630 alleles (0.0048%); highest among the groups gnomAD compares: Non-Finnish European, 0.0065%; no homozygotes.

Submission:

PreventionGenetics, part of Exact Sciences
Classification: Likely benign for KSR2-related condition. Last evaluated: 2024-03-24. Review status: no assertion criteria provided. Collection method: clinical testing. Allele origin: germline.
Comment: This variant is classified as likely benign based on ACMG/AMP sequence variant interpretation guidelines (Richards et al. 2015 PMID: 25741868, with internal and published modifications).

NM_173598.6(KSR2):c.1827A>G (p.Gln609=)

Gene: KSR2 (kinase suppressor of ras 2; minus strand). Cytogenetic location: 12q24.22.
Variant type: single nucleotide variant.
Coding change: c.1827A>G on transcript NM_173598.6 (MANE Select); coding-DNA position 1827, A replaced by G.
Protein change: p.Gln609=; no amino-acid change (glutamine 609 retained).
Molecular consequence: synonymous variant.
Genome position (GRCh38, 1-based): chr12:117,527,095, T>C on the plus strand (A>G on the coding strand, the complement: KSR2 is on the minus strand). VCF-style: chr12-117527095-T-C. GRCh37 (hg19) VCF-style: chr12-117964900-T-C.
Identifiers: ClinVar variation 3358409 (VCV003358409.1).